The following is an entry in ClinVar:

ClinVar aggregate classification (germline): Uncertain significance (1 of 4 stars; one submission).

Allele frequency attached by ClinVar (database versions not stated): gnomAD exomes below 0.00001 and 0.00002; ExAC 0.00002; gnomAD 0.00009 and 0.00011; TOPMed 0.00012.
gnomAD v4.1: 18 of 1,358,262 alleles (0.0013%); highest among the groups gnomAD compares: African/African-American, 0.027%; no homozygotes.

Submission:

Labcorp Genetics (formerly Invitae), Labcorp
Classification: Uncertain significance. Last evaluated: 2022-07-11. Review status: criteria provided, single submitter. Criteria: Invitae Variant Classification Sherloc (09022015). Collection method: clinical testing. Allele origin: germline.
Comment: This sequence change replaces glutamic acid, which is acidic and polar, with glycine, which is neutral and non-polar, at codon 303 of the TRAF3IP1 protein (p.Glu303Gly). This variant is present in population databases (rs768143716, gnomAD 0.03%). This variant has not been reported in the literature in individuals affected with TRAF3IP1-related conditions. ClinVar contains an entry for this variant (Variation ID: 968894). Algorithms developed to predict the effect of missense changes on protein structure and function output the following: SIFT: "Tolerated"; PolyPhen-2: "Benign"; Align-GVGD: "Class C0". The glycine amino acid residue is found in multiple mammalian species, which suggests that this missense change does not adversely affect protein function. In summary, the available evidence is currently insufficient to determine the role of this variant in disease. Therefore, it has been classified as a Variant of Uncertain Significance.

NM_015650.4(TRAF3IP1):c.908A>G (p.Glu303Gly)

Gene: TRAF3IP1 (TRAF3 interacting protein 1; plus strand). Cytogenetic location: 2q37.3.
Variant type: single nucleotide variant.
Coding change: c.908A>G on transcript NM_015650.4 (MANE Select); coding-DNA position 908, A replaced by G.
Protein change: p.Glu303Gly; replaces glutamic acid 303 with glycine.
Molecular consequence: missense variant.
Genome position (GRCh38, 1-based): chr2:238,329,335, A>G. VCF-style: chr2-238329335-A-G. GRCh37 (hg19) VCF-style: chr2-239237976-A-G.
Other names: c.908A>G, p.Glu303Gly (NM_001139490.1); short protein forms E303G.
Identifiers: ClinVar variation 968894 (VCV000968894.5), dbSNP rs768143716, ClinGen allele CA2198170.